The following is an entry in ClinVar:

ClinVar aggregate classification (germline): Uncertain significance. Review status: criteria provided, multiple submitters, no conflicts (2 of 4 stars). 2 submissions from 2 submitters: Uncertain significance (2). Last evaluated 2025-07-08.

Conditions:
Cardiovascular phenotype. Identifiers: MedGen CN230736.
Hypertrophic cardiomyopathy 14. Identifiers: MedGen C2750467, MONDO:0013197, OMIM 613251.

Allele frequency attached by ClinVar (database versions not stated): TOPMed below 0.00001; ExAC 0.00001; gnomAD exomes 0.00001 and 0.00002; gnomAD 0.00002; 1000 Genomes Project 30x 0.00016; 1000 Genomes Project 0.00020.
gnomAD v4.1: 40 of 1,614,206 alleles (0.0025%); highest among the groups gnomAD compares: East Asian, 0.082%; no homozygotes.

Submissions (2):

Labcorp Genetics (formerly Invitae), Labcorp
Classification: Uncertain significance for Hypertrophic cardiomyopathy 14. Last evaluated: 2025-07-08. Review status: criteria provided, single submitter. Criteria: Invitae Variant Classification Sherloc (09022015). Collection method: clinical testing. Allele origin: germline.
Comment: This sequence change replaces methionine, which is neutral and non-polar, with isoleucine, which is neutral and non-polar, at codon 799 of the MYH6 protein (p.Met799Ile). This variant is present in population databases (rs199993769, gnomAD 0.01%). This missense change has been observed in individual(s) with dilated cardiomyopathy (PMID: 37767697). ClinVar contains an entry for this variant (Variation ID: 941585). Invitae Evidence Modeling of protein sequence and biophysical properties (such as structural, functional, and spatial information, amino acid conservation, physicochemical variation, residue mobility, and thermodynamic stability) indicates that this missense variant is expected to disrupt MYH6 protein function with a positive predictive value of 80%. In summary, the available evidence is currently insufficient to determine the role of this variant in disease. Therefore, it has been classified as a Variant of Uncertain Significance.

Ambry Genetics
Classification: Uncertain significance for Cardiovascular phenotype. Last evaluated: 2022-12-25. Review status: criteria provided, single submitter. Criteria: Ambry Variant Classification Scheme 2023. Collection method: clinical testing. Allele origin: germline.
Comment: The p.M799I variant (also known as c.2397G>A), located in coding exon 18 of the MYH6 gene, results from a G to A substitution at nucleotide position 2397. The methionine at codon 799 is replaced by isoleucine, an amino acid with highly similar properties. This amino acid position is well conserved in available vertebrate species. In addition, the in silico prediction for this alteration is inconclusive. Since supporting evidence is limited at this time, the clinical significance of this alteration remains unclear.

Literature cited by the submitters: PubMed 37767697 (cited by Labcorp Genetics (formerly Invitae), Labcorp).

NM_002471.4(MYH6):c.2397G>A (p.Met799Ile)

Gene: MYH6 (myosin heavy chain 6; minus strand). Cytogenetic location: 14q11.2.
Variant type: single nucleotide variant.
Coding change: c.2397G>A on transcript NM_002471.4 (MANE Select); coding-DNA position 2397, G replaced by A.
Protein change: p.Met799Ile; replaces methionine 799 with isoleucine.
Molecular consequence: missense variant.
Genome position (GRCh38, 1-based): chr14:23,396,316, C>T on the plus strand (G>A on the coding strand, the complement: MYH6 is on the minus strand). VCF-style: chr14-23396316-C-T. GRCh37 (hg19) VCF-style: chr14-23865525-C-T.
Other names: short protein forms M799I.
Identifiers: ClinVar variation 941585 (VCV000941585.12), dbSNP rs199993769, ClinGen allele CA7115482.